The following is an entry in ClinVar:

NC_000016.10:g.(?_2048587)_(2065635_?)del

Gene: TSC2 (TSC complex subunit 2; plus strand). Cytogenetic location: 16p13.3.
Variant type: Deletion.
Identifiers: ClinVar variation 417364 (VCV000417364.1).

ClinVar aggregate classification (germline): Pathogenic (1 of 4 stars; one submission).

Conditions:
Tuberous sclerosis 2 (TSC2). Identifiers: Orphanet 805, MedGen C1860707, MONDO:0013199, OMIM 613254.

Submission:

Labcorp Genetics (formerly Invitae), Labcorp
Classification: Pathogenic for Tuberous sclerosis 2. Last evaluated: 2016-09-27. Review status: criteria provided, single submitter. Criteria: Invitae Variant Classification Sherloc (09022015). Collection method: clinical testing. Allele origin: germline.
Comment: This variant is a gross deletion of the genomic region encompassing exons 2-16 of the TSC2 gene, which includes the initiator codon. The 5' end of this event is unknown as it extends beyond the assayed region for this gene and therefore may encompass additional genes. The 3' boundary is likely confined to intron 16 of the TSC2 gene. Truncating variants including gross deletions in TSC2 are known to be pathogenic. Deletions of exons 2-16 have been reported in the literature in individuals affected with tuberous sclerosis complex (TSC) (PMID: 21541650, 22490766, 25498131, 25782670). Deletion of exons 2-16 is also known as deletion of exons 1-15 in the literature. This gross deletion is expected to result in an absent protein or completely remove the TSC1 binding domain (T1BD) located at the N-terminus of the TSC2 protein, which is critical for TSC1-TSC2 interaction (PMID: 18466115, 11741833). For these reasons, this variant has been classified as Pathogenic.